The following is an entry in ClinVar:

ClinVar aggregate classification (germline): Uncertain significance. Review status: criteria provided, multiple submitters, no conflicts (2 of 4 stars). 4 submissions from 4 submitters: Uncertain significance (4). Last evaluated 2026-07-10.

Conditions:
Keratosis palmoplantaris striata 2. Also called: Keratosis palmoplantaris striata II; KERATODERMA, PALMOPLANTAR, STRIATE FORM II; STRIATE PALMOPLANTAR KERATODERMA II. Identifiers: MedGen C1852127, MONDO:0013034, OMIM 612908.
Woolly hair-skin fragility syndrome (WHSF). Identifiers: Orphanet 293165, MedGen C1843292, MONDO:0957307, OMIM 620415.
Lethal acantholytic epidermolysis bullosa (EBLA). Identifiers: Orphanet 158687, MedGen C1864826, MONDO:0012323, OMIM 609638.
Arrhythmogenic cardiomyopathy with wooly hair and keratoderma. Also called: Dilated cardiomyopathy with woolly hair and keratoderma; Arrhythmogenic cardiomyopathy with woolly hair and keratoderma; PALMOPLANTAR KERATODERMA WITH LEFT VENTRICULAR CARDIOMYOPATHY AND WOOLLY HAIR; Carvajal syndrome. Identifiers: Orphanet 65282, MedGen C1854063, MONDO:0011581, OMIM 605676.
Arrhythmogenic right ventricular dysplasia 8 (ARVD8). Also called: Arrhythmogenic Right Ventricular Dysplasia/Cardiomyopathy 8; ARRHYTHMOGENIC RIGHT VENTRICULAR DYSPLASIA, FAMILIAL, 8; ARRHYTHMOGENIC RIGHT VENTRICULAR CARDIOMYOPATHY 8. Identifiers: MedGen C1843896, MONDO:0011831, OMIM 607450.
Cardiomyopathy, dilated, with wooly hair, keratoderma, and tooth agenesis. Also called: Cardiomyopathy, dilated, with woolly hair, keratoderma, and tooth agenesis; Erythrokeratodermia-cardiomyopathy syndrome. Identifiers: Orphanet 476096, Orphanet 65282, MedGen C4014393, MONDO:0014355, OMIM 615821.
DSP-related disorder. Also called: DSP-related condition; DSP-related disorders.
Cardiovascular phenotype. Identifiers: MedGen CN230736.

Allele frequency attached by ClinVar (database versions not stated): gnomAD exomes below 0.00001; TOPMed below 0.00001.
gnomAD v4.1: 2 of 1,614,154 alleles (0.00012%); highest among the groups gnomAD compares: Non-Finnish European, 0.00017%; no homozygotes.

Submissions (4):

PreventionGenetics, part of Exact Sciences
Classification: Uncertain significance for DSP-related condition. Last evaluated: 2026-07-10. Review status: criteria provided, single submitter. Criteria: ACMG Guidelines, 2015. Collection method: clinical testing. Allele origin: germline.
Comment: The DSP c.1556C>T variant is predicted to result in the amino acid substitution p.Ala519Val. To our knowledge, this variant has not been reported in the literature. This variant is reported in 0.00088% of alleles in individuals of European (Non-Finnish) descent in gnomAD. At this time, the clinical significance of this variant is uncertain due to the absence of conclusive functional and genetic evidence.

Labcorp Genetics (formerly Invitae), Labcorp
Classification: Uncertain significance for Arrhythmogenic cardiomyopathy with wooly hair and keratoderma; Arrhythmogenic right ventricular dysplasia 8. Last evaluated: 2025-12-31. Review status: criteria provided, single submitter. Criteria: Invitae Variant Classification Sherloc (09022015). Collection method: clinical testing. Allele origin: germline.
Comment: This sequence change replaces alanine, which is neutral and non-polar, with valine, which is neutral and non-polar, at codon 519 of the DSP protein (p.Ala519Val). This variant is present in population databases (no rsID available, gnomAD 0.0009%). This variant has not been reported in the literature in individuals affected with DSP-related conditions. ClinVar contains an entry for this variant (Variation ID: 582903). An algorithm developed to predict the effect of missense changes on protein structure and function (PolyPhen-2) suggests that this variant is likely to be disruptive. In summary, the available evidence is currently insufficient to determine the role of this variant in disease. Therefore, it has been classified as a Variant of Uncertain Significance.

Ambry Genetics
Classification: Uncertain significance for Cardiovascular phenotype. Last evaluated: 2025-02-21. Review status: criteria provided, single submitter. Criteria: Ambry Variant Classification Scheme 2023. Collection method: clinical testing. Allele origin: germline.
Comment: The p.A519V variant (also known as c.1556C>T), located in coding exon 12 of the DSP gene, results from a C to T substitution at nucleotide position 1556. The alanine at codon 519 is replaced by valine, an amino acid with similar properties. This amino acid position is conserved. In addition, the in silico prediction for this alteration is inconclusive. Since supporting evidence is limited at this time, the clinical significance of this alteration remains unclear.

Fulgent Genetics
Classification: Uncertain significance for Arrhythmogenic cardiomyopathy with wooly hair and keratoderma; Arrhythmogenic right ventricular dysplasia 8; Lethal acantholytic epidermolysis bullosa; Keratosis palmoplantaris striata 2; Cardiomyopathy, dilated, with wooly hair, keratoderma, and tooth agenesis. Last evaluated: 2021-10-22. Review status: criteria provided, single submitter. Criteria: ACMG Guidelines, 2015. Collection method: clinical testing. Allele origin: unknown.

NM_004415.4(DSP):c.1556C>T (p.Ala519Val)

Gene: DSP (desmoplakin; plus strand). Cytogenetic location: 6p24.3.
Variant type: single nucleotide variant.
Coding change: c.1556C>T on transcript NM_004415.4 (MANE Select); coding-DNA position 1556, C replaced by T.
Protein change: p.Ala519Val; replaces alanine 519 with valine.
Molecular consequence: missense variant.
Genome position (GRCh38, 1-based): chr6:7,569,322, C>T. VCF-style: chr6-7569322-C-T. GRCh37 (hg19) VCF-style: chr6-7569555-C-T.
Other names: c.1556C>T (LRG_423t1, NM_004415.3); c.1556C>T, p.Ala519Val (NM_001008844.3, NM_001319034.2); short protein forms A519V.
Identifiers: ClinVar variation 582903 (VCV000582903.13), dbSNP rs1395532173, ClinGen allele CA362677825.